The following is an entry in ClinVar:

ClinVar aggregate classification (germline): Uncertain significance. Review status: criteria provided, multiple submitters, no conflicts (2 of 4 stars). 4 submissions from 4 submitters: Uncertain significance (4). Last evaluated 2026-02-01.

Conditions:
Hereditary sensory and autonomic neuropathy type 6. Also called: HSAN VI; Neuropathy, hereditary sensory and autonomic, type VI. Identifiers: Orphanet 314381, MedGen C3539003, MONDO:0013839, OMIM 614653.
Epidermolysis bullosa simplex 3, localized or generalized intermediate, with BP230 deficiency (EBS3). Also called: Epidermolysis bullosa simplex, autosomal recessive 2; Epidermolysis bullosa simplex due to BP230 deficiency. Identifiers: Orphanet 412181, MedGen C3809470, MONDO:0014180, OMIM 615425.

Allele frequency attached by ClinVar (database versions not stated): ExAC 0.00006; gnomAD 0.00006; TOPMed 0.00006; gnomAD exomes 0.00010.
gnomAD v4.1: 224 of 1,612,414 alleles (0.014%); highest among the groups gnomAD compares: Non-Finnish European, 0.018%; no homozygotes.

Submissions (4):

CeGaT Center for Human Genetics Tuebingen
Classification: Uncertain significance. Last evaluated: 2026-02-01. Review status: criteria provided, single submitter. Criteria: CeGaT Center For Human Genetics Tuebingen Variant Classification Criteria Version 2. Collection method: clinical testing. Allele origin: germline. Affected: yes. Observed: 1 variant allele.
Comment: DST: PM2, BP4

Mayo Clinic Laboratories, Mayo Clinic
Classification: Uncertain significance. Last evaluated: 2022-10-27. Review status: criteria provided, single submitter. Criteria: ACMG Guidelines, 2015. Collection method: clinical testing. Allele origin: germline. Observed: 1 variant allele.
Comment: BP4

Labcorp Genetics (formerly Invitae), Labcorp
Classification: Uncertain significance for Epidermolysis bullosa simplex 3, localized or generalized intermediate, with BP230 deficiency; Hereditary sensory and autonomic neuropathy type 6. Last evaluated: 2022-07-06. Review status: criteria provided, single submitter. Criteria: Invitae Variant Classification Sherloc (09022015). Collection method: clinical testing. Allele origin: germline.
Comment: This sequence change replaces lysine, which is basic and polar, with arginine, which is basic and polar, at codon 2150 of the DST protein (p.Lys2150Arg). This variant is present in population databases (rs755587547, gnomAD 0.02%). This variant has not been reported in the literature in individuals affected with DST-related conditions. ClinVar contains an entry for this variant (Variation ID: 541459). Algorithms developed to predict the effect of missense changes on protein structure and function (SIFT, PolyPhen-2, Align-GVGD) all suggest that this variant is likely to be tolerated. In summary, the available evidence is currently insufficient to determine the role of this variant in disease. Therefore, it has been classified as a Variant of Uncertain Significance.

Department of Pathology and Laboratory Medicine, Sinai Health System
Classification: Uncertain significance for hereditary sensory and autonomic neuropathy type 6. Last evaluated: 2020-06-01. Review status: criteria provided, single submitter. Criteria: ACMG Guidelines, 2015. Collection method: research. Allele origin: germline.

NM_001723.7(DST):c.6449A>G (p.Lys2150Arg)

Gene: DST (dystonin; minus strand). Cytogenetic location: 6p12.1.
Variant type: single nucleotide variant.
Coding change: c.6449A>G on transcript NM_001723.7 (MANE Plus Clinical); coding-DNA position 6449, A replaced by G.
Protein change: p.Lys2150Arg; replaces lysine 2150 with arginine.
Molecular consequence: missense variant. On other transcripts: intron variant (10).
Genome position (GRCh38, 1-based): chr6:56,617,018, T>C on the plus strand (A>G on the coding strand, the complement: DST is on the minus strand). VCF-style: chr6-56617018-T-C. GRCh37 (hg19) VCF-style: chr6-56481816-T-C.
Other names: p.Lys2150Arg; c.4831-2534A>G (NM_001144769.5); c.4930-2534A>G (NM_001374722.1, NM_001374736.1); c.4957-2534A>G (NM_001374734.1); c.4417-2534A>G (NM_001144770.2); c.4297-2534A>G (NM_001374730.1, NM_001386100.1, NM_183380.4 and 1 more transcripts); c.3319-2534A>G (NM_015548.5); short protein forms K2150R.
Identifiers: ClinVar variation 541459 (VCV000541459.18), dbSNP rs755587547, ClinGen allele CA3870164.